The following is an entry in ClinVar:

ClinVar aggregate classification (germline): Uncertain significance (1 of 4 stars; one submission).

Conditions:
Epilepsy, X-linked 1, with variable learning disabilities and behavior disorders. Also called: X-linked epilepsy-learning disabilities-behavior disorders syndrome. Identifiers: Orphanet 85294, MedGen C5774177, MONDO:0010339, OMIM 300491.

Submission:

Labcorp Genetics (formerly Invitae), Labcorp
Classification: Uncertain significance for Epilepsy, X-linked 1, with variable learning disabilities and behavior disorders. Last evaluated: 2023-12-01. Review status: criteria provided, single submitter. Criteria: Invitae Variant Classification Sherloc (09022015). Collection method: clinical testing. Allele origin: germline.
Comment: This sequence change replaces methionine, which is neutral and non-polar, with isoleucine, which is neutral and non-polar, at codon 14 of the SYN1 protein (p.Met14Ile). This variant is not present in population databases (gnomAD no frequency). This variant has not been reported in the literature in individuals affected with SYN1-related conditions. An algorithm developed to predict the effect of missense changes on protein structure and function (PolyPhen-2) suggests that this variant is likely to be disruptive. In summary, the available evidence is currently insufficient to determine the role of this variant in disease. Therefore, it has been classified as a Variant of Uncertain Significance.

NM_006950.3(SYN1):c.42G>C (p.Met14Ile)

Gene: SYN1 (synapsin I; minus strand). Cytogenetic location: Xp11.23.
Variant type: single nucleotide variant.
Coding change: c.42G>C on transcript NM_006950.3 (MANE Select); coding-DNA position 42, G replaced by C.
Protein change: p.Met14Ile; replaces methionine 14 with isoleucine.
Molecular consequence: missense variant.
Genome position (GRCh38, 1-based): chrX:47,619,687, C>G on the plus strand (G>C on the coding strand, the complement: SYN1 is on the minus strand). VCF-style: chrX-47619687-C-G. GRCh37 (hg19) VCF-style: chrX-47479086-C-G.
Other names: c.42G>C, p.Met14Ile (NM_133499.2); short protein forms M14I.
Identifiers: ClinVar variation 2827277 (VCV002827277.3), dbSNP rs2519712571, ClinGen allele CA412832257.
Genomic context (GRCh38, chrX:47,619,687, plus strand): 5'-CGGCGGTGGGGGCGGCTGCGGACGCTGCAGGTCTGTCATGTACCCATTTGGCAGATTGGC[C>G]ATAAAGTTGCTGTCCGACAGGCGGCGCCGCAGGTAGTTCATGGCTGCGACTTGGGGCAGG-3'
Protein context (NP_008881.2, residues 4-24): LRRRLSDSNF[Met14Ile]ANLPNGYMTD